The following is an entry in ClinVar:

ClinVar aggregate classification (germline): Likely benign (0 of 4 stars; one submission).

Conditions:
PLXNA2-related disorder. Also called: PLXNA2-related condition.

Allele frequency attached by ClinVar (database versions not stated): TOPMed 0.00001; gnomAD 0.00003.
gnomAD v4.1: 23 of 1,614,210 alleles (0.0014%); highest among the groups gnomAD compares: African/African-American, 0.0093%; no homozygotes.

Submission:

PreventionGenetics, part of Exact Sciences
Classification: Likely benign for PLXNA2-related condition. Last evaluated: 2022-02-17. Review status: no assertion criteria provided. Collection method: clinical testing. Allele origin: germline.
Comment: This variant is classified as likely benign based on ACMG/AMP sequence variant interpretation guidelines (Richards et al. 2015 PMID: 25741868, with internal and published modifications).

NM_025179.4(PLXNA2):c.2142C>T (p.Val714=)

Gene: PLXNA2 (plexin A2; minus strand). Cytogenetic location: 1q32.2.
Variant type: single nucleotide variant.
Coding change: c.2142C>T on transcript NM_025179.4 (MANE Select); coding-DNA position 2142, C replaced by T.
Protein change: p.Val714=; no amino-acid change (valine 714 retained).
Molecular consequence: synonymous variant.
Genome position (GRCh38, 1-based): chr1:208,084,536, G>A on the plus strand (C>T on the coding strand, the complement: PLXNA2 is on the minus strand). VCF-style: chr1-208084536-G-A. GRCh37 (hg19) VCF-style: chr1-208257881-G-A.
Identifiers: ClinVar variation 3029322 (VCV003029322.2), dbSNP rs1414442642, ClinGen allele CA422981540.
Genomic context (GRCh38, chr1:208,084,536, plus strand): 5'-CTGGCCGGACTGCGGCTGGGGCAGATTTCGCGCCTTAAGGGTGATTGGCTTTACCTCCCC[G>A]ACTGGAATCAAGATCTCCTCTGTGGGCACCAGCTGGGGACAGTCCTGGGGGAACAAACGA-3'
Protein context (NP_079455.3, residues 704-724): LVPTEEILIP[Val714=]GEVKPITLKA